The following is an entry in ClinVar:

ClinVar aggregate classification (germline): Uncertain significance. Review status: criteria provided, multiple submitters, no conflicts (2 of 4 stars). 2 submissions from 2 submitters: Uncertain significance (2). Last evaluated 2025-12-10.

Conditions:
RP1L1-related disorder. Also called: RP1L1-related condition.
Inborn genetic diseases. Identifiers: MedGen C0950123, MeSH D030342.

Allele frequency attached by ClinVar (database versions not stated): gnomAD exomes below 0.00001; ExAC 0.00002; gnomAD 0.00003; TOPMed 0.00004.

Submissions (2):

PreventionGenetics, part of Exact Sciences
Classification: Uncertain significance for RP1L1-related condition. Last evaluated: 2025-12-10. Review status: criteria provided, single submitter. Criteria: ACMG Guidelines, 2015. Collection method: clinical testing. Allele origin: germline.
Comment: The RP1L1 c.6826A>G variant is predicted to result in the amino acid substitution p.Arg2276Gly. To our knowledge, this variant has not been reported in the literature. This variant is reported in 0.022% of alleles in individuals of East Asian descent in gnomAD. At this time, the clinical significance of this variant is uncertain due to the absence of conclusive functional and genetic evidence.

Ambry Genetics
Classification: Uncertain significance for Inborn genetic diseases. Last evaluated: 2025-04-07. Review status: criteria provided, single submitter. Criteria: Ambry Variant Classification Scheme 2023. Collection method: clinical testing. Allele origin: germline.

NM_178857.6(RP1L1):c.6826A>G (p.Arg2276Gly)

Gene: RP1L1 (RP1 like 1). Cytogenetic location: 8p23.1.
Variant type: single nucleotide variant.
Coding change: c.6826A>G on transcript NM_178857.6 (MANE Select); coding-DNA position 6826, A replaced by G.
Protein change: p.Arg2276Gly; replaces arginine 2276 with glycine.
Molecular consequence: missense variant.
Genome position (GRCh38, 1-based): chr8:10,607,272, T>C on the plus strand (A>G on the coding strand, the complement: RP1L1 is on the minus strand). VCF-style: chr8-10607272-T-C. GRCh37 (hg19) VCF-style: chr8-10464782-T-C.
Other names: short protein forms R2276G.
Identifiers: ClinVar variation 2329041 (VCV002329041.4), dbSNP rs748156896, ClinGen allele CA4623165.